The following is an entry in ClinVar:

ClinVar aggregate classification (germline): Uncertain significance. Review status: criteria provided, multiple submitters, no conflicts (2 of 4 stars). 3 submissions from 3 submitters: Uncertain significance (3). Last evaluated 2025-11-18.

Conditions:
Hereditary cancer-predisposing syndrome. Also called: Tumor predisposition; Hereditary neoplastic syndrome; Hereditary Cancer Syndrome; Neoplastic Syndromes, Hereditary. Identifiers: Orphanet 140162, MedGen C0027672, MeSH D009386, MONDO:0015356.
EGFR-related lung cancer (EGFR). Identifiers: MedGen CN130014.

Allele frequency attached by ClinVar (database versions not stated): gnomAD exomes below 0.00001 and 0.00001; ExAC 0.00002; gnomAD 0.00003 and 0.00004; TOPMed 0.00004.
gnomAD v4.1: 9 of 1,614,048 alleles (0.00056%); highest among the groups gnomAD compares: African/African-American, 0.0067%; no homozygotes.

Submissions (3):

Labcorp Genetics (formerly Invitae), Labcorp
Classification: Uncertain significance for EGFR-related lung cancer. Last evaluated: 2025-11-18. Review status: criteria provided, single submitter. Criteria: Invitae Variant Classification Sherloc (09022015). Collection method: clinical testing. Allele origin: germline.
Comment: This sequence change replaces glutamic acid, which is acidic and polar, with lysine, which is basic and polar, at codon 545 of the EGFR protein (p.Glu545Lys). This variant is present in population databases (rs778985185, gnomAD 0.008%). This variant has not been reported in the literature in individuals affected with EGFR-related conditions. ClinVar contains an entry for this variant (Variation ID: 1051231). An algorithm developed to predict the effect of missense changes on protein structure and function (PolyPhen-2) suggests that this variant is likely to be tolerated. In summary, the available evidence is currently insufficient to determine the role of this variant in disease. Therefore, it has been classified as a Variant of Uncertain Significance.

Ambry Genetics
Classification: Uncertain significance for Hereditary cancer-predisposing syndrome. Last evaluated: 2024-12-16. Review status: criteria provided, single submitter. Criteria: Ambry Variant Classification Scheme 2023. Collection method: clinical testing. Allele origin: germline.
Comment: The p.E545K variant (also known as c.1633G>A), located in coding exon 14 of the EGFR gene, results from a G to A substitution at nucleotide position 1633. The glutamic acid at codon 545 is replaced by lysine, an amino acid with similar properties. This amino acid position is well conserved in available vertebrate species. In addition, this alteration is predicted to be tolerated by in silico analysis. Based on the available evidence, the clinical significance of this variant remains unclear.

Sema4
Classification: Uncertain significance for Hereditary cancer-predisposing syndrome. Last evaluated: 2021-05-28. Review status: criteria provided, single submitter. Criteria: Sema4 Curation Guidelines. Collection method: curation. Allele origin: germline.
Comment: The EGFR c.1633G>A (p.E545K) variant has not been reported in the literature to our knowledge. It was observed in 2/24966 chromosomes of the African/African American subpopulation in the large and broad cohorts of the Genome Aggregation Database. The variant has been reported in ClinVar (Variation ID 1051231). In silico tools suggest the impact of the variant on protein function is inconclusive, though these predictions have not been confirmed by functional studies. The evidence is insufficient to meet ACMG/AMP criteria for classifying the variant as benign or pathogenic. Thus, the clinical significance of this variant is currently uncertain.

NM_005228.5(EGFR):c.1633G>A (p.Glu545Lys)

Gene: EGFR (epidermal growth factor receptor; plus strand). Cytogenetic location: 7p11.2.
Variant type: single nucleotide variant.
Coding change: c.1633G>A on transcript NM_005228.5 (MANE Select); coding-DNA position 1633, G replaced by A.
Protein change: p.Glu545Lys; replaces glutamic acid 545 with lysine.
Molecular consequence: missense variant.
Genome position (GRCh38, 1-based): chr7:55,163,734, G>A. VCF-style: chr7-55163734-G-A. GRCh37 (hg19) VCF-style: chr7-55231427-G-A.
Other names: c.1498G>A, p.Glu500Lys (NM_001346897.2, NM_001346899.2); c.1633G>A, p.Glu545Lys (NM_001346898.2, NM_201282.2, NM_201284.2); c.1474G>A, p.Glu492Lys (NM_001346900.2); c.832G>A, p.Glu278Lys (NM_001346941.2); short protein forms E278K, E492K, E500K, E545K.
Identifiers: ClinVar variation 1051231 (VCV001051231.12), dbSNP rs778985185, ClinGen allele CA4265650.